The following is an entry in ClinVar:

NM_002633.3(PGM1):c.1543C>T (p.Arg515Trp)

Gene: PGM1 (phosphoglucomutase 1; plus strand). Cytogenetic location: 1p31.3.
Variant type: single nucleotide variant.
Coding change: c.1543C>T on transcript NM_002633.3 (MANE Select); coding-DNA position 1543, C replaced by T.
Protein change: p.Arg515Trp; replaces arginine 515 with tryptophan.
Molecular consequence: missense variant.
Genome position (GRCh38, 1-based): chr1:63,654,410, C>T. VCF-style: chr1-63654410-C-T. GRCh37 (hg19) VCF-style: chr1-64120081-C-T.
Other names: c.1597C>T, p.Arg533Trp (NM_001172818.1); c.952C>T, p.Arg318Trp (NM_001172819.2); short protein forms R533W, R515W, R318W.
Identifiers: ClinVar variation 800856 (VCV000800856.14), dbSNP rs775651976, ClinGen allele CA889889.
Genomic context (GRCh38, chr1:63,654,410, plus strand): 5'-ACAGATGGTTCTCGAATCGTCTTCCGACTGAGCGGCACTGGGAGTGCCGGGGCCACCATT[C>T]GGCTGTACATCGATAGCTATGAGAAGGACGTTGCCAAGATTAACCAGGACCCCCAGGTAA-3'
Protein context (NP_002624.2, residues 505-525): SGTGSAGATI[Arg515Trp]LYIDSYEKDV

ClinVar aggregate classification (germline): Conflicting classifications of pathogenicity. Review status: criteria provided, conflicting classifications (1 of 4 stars). 4 submissions from 4 submitters: Likely pathogenic (1); Uncertain significance (2). 1 of the submissions does not count toward it. Last evaluated 2024-03-29.

Conditions:
PGM1-congenital disorder of glycosylation. Also called: PHOSPHOGLUCOMUTASE 1 DEFICIENCY; PGM1 DEFICIENCY; CDG It; GLYCOGEN STORAGE DISEASE XIV; GSD XIV; Congenital disorder of glycosylation type 1t. Identifiers: Orphanet 319646, MedGen C2752015, MONDO:0013968, OMIM 614921.

Allele frequency attached by ClinVar (database versions not stated): TOPMed 0.00001; ExAC 0.00002; gnomAD exomes 0.00002.
gnomAD v4.1: 7 of 1,614,018 alleles (0.00043%); highest among the groups gnomAD compares: Admixed American, 0.0017%; no homozygotes.

Submissions (4):

Genomic Medicine Center of Excellence, King Faisal Specialist Hospital and Research Centre
Classification: Uncertain significance for PGM1-congenital disorder of glycosylation. Last evaluated: 2024-03-29. Review status: criteria provided, single submitter. Criteria: ACMG Guidelines, 2015. Collection method: clinical testing. Allele origin: germline.

Labcorp Genetics (formerly Invitae), Labcorp
Classification: Uncertain significance for PGM1-congenital disorder of glycosylation. Last evaluated: 2023-08-04. Review status: criteria provided, single submitter. Criteria: Invitae Variant Classification Sherloc (09022015). Collection method: clinical testing. Allele origin: germline.
Comment: This sequence change replaces arginine, which is basic and polar, with tryptophan, which is neutral and slightly polar, at codon 515 of the PGM1 protein (p.Arg515Trp). This variant is present in population databases (rs775651976, gnomAD 0.003%). This variant has not been reported in the literature in individuals affected with PGM1-related conditions. ClinVar contains an entry for this variant (Variation ID: 800856). Advanced modeling of protein sequence and biophysical properties (such as structural, functional, and spatial information, amino acid conservation, physicochemical variation, residue mobility, and thermodynamic stability) performed at Invitae indicates that this missense variant is expected to disrupt PGM1 protein function. This variant disrupts the p.Arg515 amino acid residue in PGM1. Other variant(s) that disrupt this residue have been determined to be pathogenic (PMID: 27206562, 33342467). This suggests that this residue is clinically significant, and that variants that disrupt this residue are likely to be disease-causing. In summary, the available evidence is currently insufficient to determine the role of this variant in disease. Therefore, it has been classified as a Variant of Uncertain Significance.

Pediatric/Medical Genetics, Ministry of Health, Qatif Central Hospital
Classification: Likely pathogenic for PGM1-congenital disorder of glycosylation. Review status: criteria provided, single submitter. Criteria: ACMG Guidelines, 2015. Collection method: clinical testing. Allele origin: germline. Inheritance: Autosomal recessive inheritance. Affected: yes. Observed: 1 homozygote.

Biochemical Molecular Genetic Laboratory, King Abdulaziz Medical City
Classification: Uncertain significance for PGM1-congenital disorder of glycosylation. Last evaluated: 2019-08-25. Review status: no assertion criteria provided. Collection method: clinical testing. Allele origin: germline. Affected: yes. Not counted in ClinVar's aggregate classification.

Literature cited by the submitters: PubMed 27206562 (cited by Labcorp Genetics (formerly Invitae), Labcorp); PubMed 33342467 (cited by Labcorp Genetics (formerly Invitae), Labcorp).